The following is an entry in ClinVar:

NM_001165963.4(SCN1A):c.4302G>A (p.Trp1434Ter)

Genes: SCN1A (sodium voltage-gated channel alpha subunit 1; minus strand), LOC102724058 (uncharacterized LOC102724058; plus strand). Cytogenetic location: 2q24.3.
Variant type: single nucleotide variant.
Coding change: c.4302G>A on transcript NM_001165963.4 (MANE Select); coding-DNA position 4302, G replaced by A.
Protein change: p.Trp1434Ter; replaces tryptophan 1434 with a stop codon.
Molecular consequence: nonsense. On other transcripts: non-coding transcript variant (1).
Genome position (GRCh38, 1-based): chr2:165,999,759, C>T on the plus strand (G>A on the coding strand, the complement: SCN1A is on the minus strand). VCF-style: chr2-165999759-C-T. GRCh37 (hg19) VCF-style: chr2-166856269-C-T.
Other names: c.4218G>A, p.Trp1406Ter (NM_001165964.3, NM_001353957.2, NM_001353958.2); c.4302G>A, p.Trp1434Ter (NM_001202435.3, NM_001353948.2); c.4269G>A, p.Trp1423Ter (NM_001353949.2, NM_001353950.2, NM_001353951.2 and 2 more transcripts); c.4266G>A, p.Trp1422Ter (NM_001353954.2, NM_001353955.2); c.4215G>A, p.Trp1405Ter (NM_001353960.2); c.1860G>A, p.Trp620Ter (NM_001353961.2); short protein forms W1423*, W1434*, W1406*, W620*, W1405*, W1422*.
Identifiers: ClinVar variation 189846 (VCV000189846.4), dbSNP rs794726699, ClinGen allele CA303099.

ClinVar aggregate classification (germline): Pathogenic. Review status: criteria provided, multiple submitters, no conflicts (2 of 4 stars). 3 submissions from 3 submitters: Pathogenic (3). Last evaluated 2024-03-20.

Conditions:
Early-infantile DEE. Also called: Ohtahara syndrome; Early infantile epileptic encephalopathy with suppression bursts; Early infantile epileptic encephalopathy. Identifiers: Orphanet 1934, MedGen C0393706, MONDO:0800491.
Severe myoclonic epilepsy in infancy (DRVT). Also called: Epileptic encephalopathy, early infantile, 6 (Dravet syndrome); Dravet syndrome; SEVERE MYOCLONIC EPILEPSY OF INFANCY; DEVELOPMENTAL AND EPILEPTIC ENCEPHALOPATHY 6A; Severe Myoclonic Epilepsy in Infancy (SMEI). Identifiers: Orphanet 33069, MedGen C0751122, MONDO:0100135, OMIM 607208.

Submissions (3):

Labcorp Genetics (formerly Invitae), Labcorp
Classification: Pathogenic for Early-infantile DEE. Last evaluated: 2024-03-20. Review status: criteria provided, single submitter. Criteria: Invitae Variant Classification Sherloc (09022015). Collection method: clinical testing. Allele origin: germline.
Comment: This sequence change creates a premature translational stop signal (p.Trp1434*) in the SCN1A gene. It is expected to result in an absent or disrupted protein product. Loss-of-function variants in SCN1A are known to be pathogenic (PMID: 17347258, 18930999). This variant is not present in population databases (gnomAD no frequency). This premature translational stop signal has been observed in individual(s) with Dravet syndrome (PMID: 26096185). ClinVar contains an entry for this variant (Variation ID: 189846). For these reasons, this variant has been classified as Pathogenic.

Center for Bioinformatics, Peking University
Classification: Pathogenic for Dravet syndrome. Last evaluated: 2014-12-20. Review status: criteria provided, single submitter. Criteria: Xu et al. (Hum Mutat. 2015). Collection method: research. Allele origin: maternal. Affected: yes. Observed: 2 variant alleles. Study: University Clinical Cooperation “985 Project” PKU-2014-1-1.
Comment: Dravet syndrome (DS) probands were recruited from the outpatient and inpatient child neurology units of Peking University First Hospital from 2005 till present. The study was approved by the Ethics Committee of Peking University First Hospital and the Institutional Review Board at Peking University. Participants or their parents provided written informed consent before enrollment. We collected a total of 267 mutations from 255 families with probands diagnosed with DS in China. All probands fulfilled the clinical diagnostic criteria.

Clinical Genetics Service, Universitary Hospital 12 de Octubre
Classification: Pathogenic for Severe myoclonic epilepsy in infancy. Review status: criteria provided, single submitter. Criteria: ACMG Guidelines, 2015. Collection method: clinical testing. Allele origin: germline. Affected: yes.

Literature cited by the submitters: PubMed 17347258 (cited by Labcorp Genetics (formerly Invitae), Labcorp); PubMed 18930999 (cited by Labcorp Genetics (formerly Invitae), Labcorp); PubMed 26096185 (cited by Labcorp Genetics (formerly Invitae), Labcorp).